The following is an entry in ClinVar:

ClinVar aggregate classification (germline): Pathogenic. Review status: reviewed by expert panel (3 of 4 stars). 7 submissions from 7 submitters: Pathogenic (1). 6 of the submissions do not count toward it. Last evaluated 2017-12-15.

Conditions:
Hereditary breast ovarian cancer syndrome. Also called: Breast and ovarian cancer; Hereditary breast and ovarian cancer; Hereditary breast and ovarian cancer syndrome; Hereditary breast and/or ovarian cancer syndrome; BRCA1- and BRCA2-Associated Hereditary Breast and Ovarian Cancer; Hereditary breast and ovarian cancer syndrome (HBOC). Identifiers: Orphanet 145, MedGen C0677776, MeSH D061325, MONDO:0003582. Disease mechanism: loss of function.
Breast-ovarian cancer, familial, susceptibility to, 2 (BROVCA2). Also called: BRCA2 Hereditary Breast and Ovarian Cancer. Identifiers: Orphanet 145, MedGen C2675520, MONDO:0012933, OMIM 612555. Disease mechanism: loss of function.
Breast-ovarian cancer, familial, susceptibility to, 1 (BROVCA1). Also called: BRCA1 Hereditary Breast and Ovarian Cancer; OVARIAN CANCER, SUSCEPTIBILITY TO. Identifiers: Orphanet 145, MedGen C2676676, MONDO:0011450, OMIM 604370. Disease mechanism: loss of function.
Familial cancer of breast. Also called: BREAST CANCER, FAMILIAL; hereditary breast carcinoma; Hereditary breast cancer. Identifiers: Orphanet 227535, MedGen C0346153, MONDO:0016419, OMIM 114480. Disease mechanism: loss of function.
Hereditary cancer-predisposing syndrome. Also called: Tumor predisposition; Hereditary Cancer Syndrome; Neoplastic Syndromes, Hereditary; Hereditary neoplastic syndrome. Identifiers: Orphanet 140162, MedGen C0027672, MeSH D009386, MONDO:0015356.

Submissions (7):

Evidence-based Network for the Interpretation of Germline Mutant Alleles (ENIGMA)
Classification: Pathogenic for Breast-ovarian cancer, familial, susceptibility to, 2. Last evaluated: 2017-12-15. Review status: reviewed by expert panel. Criteria: ENIGMA BRCA1/2 Classification Criteria (2017-06-29). Collection method: curation. Allele origin: germline. Study: ENIGMA.
Comment: Variant allele predicted to encode a truncated non-functional protein.

Labcorp Genetics (formerly Invitae), Labcorp
Classification: Pathogenic for Hereditary breast ovarian cancer syndrome. Last evaluated: 2025-10-01. Review status: criteria provided, single submitter. Criteria: Invitae Variant Classification Sherloc (09022015). Collection method: clinical testing. Allele origin: germline. Not counted in ClinVar's aggregate classification.
Comment: This sequence change creates a premature translational stop signal (p.Ser1230Tyrfs*2) in the BRCA2 gene. It is expected to result in an absent or disrupted protein product. Loss-of-function variants in BRCA2 are known to be pathogenic (PMID: 20104584). This variant is not present in population databases (gnomAD no frequency). This premature translational stop signal has been observed in individual(s) with pediatric cancer (PMID: 26845104). ClinVar contains an entry for this variant (Variation ID: 224523). For these reasons, this variant has been classified as Pathogenic.

Ambry Genetics
Classification: Pathogenic for Hereditary cancer-predisposing syndrome. Last evaluated: 2023-10-27. Review status: criteria provided, single submitter. Criteria: Ambry Variant Classification Scheme 2023. Collection method: clinical testing. Allele origin: germline. Not counted in ClinVar's aggregate classification.
Comment: The c.3689_3690delCT pathogenic mutation, located in coding exon 10 of the BRCA2 gene, results from a deletion of two nucleotides at nucleotide positions 3689 to 3690, causing a translational frameshift with a predicted alternate stop codon (p.S1230Yfs*2). This alteration is expected to result in loss of function by premature protein truncation or nonsense-mediated mRNA decay. As such, this alteration is interpreted as a disease-causing mutation.

Women's Health and Genetics/Laboratory Corporation of America, LabCorp
Classification: Pathogenic for Hereditary breast ovarian cancer syndrome. Last evaluated: 2022-11-21. Review status: criteria provided, single submitter. Criteria: LabCorp Variant Classification Summary - May 2015. Collection method: clinical testing. Allele origin: germline. Not counted in ClinVar's aggregate classification.
Comment: Variant summary: BRCA2 c.3689_3690delCT (p.Ser1230TyrfsX2) results in a premature termination codon, predicted to cause a truncation of the encoded protein or absence of the protein due to nonsense mediated decay, which are commonly known mechanisms for disease. Truncations downstream of this position have been classified as pathogenic by our laboratory. The variant was absent in 249496 control chromosomes. c.3689_3690delCT has been reported in the literature as a pathogenic variant in settings of multigene panel testing among individuals referred for germline breast/colorectal cancer testing in at-least one individual aged less than 20 years reportedly affected with a Sertoli cell tumor (example, Shirts_2015). It also also been reported as a somatic variant in an Ovarian tumor within the The Cancer Genome Atlas (TCGA) cohort (example, Lu_2014). To our knowledge, no experimental evidence demonstrating an impact on protein function has been reported. Four clinical diagnostic laboratories and an expert panel (ENIGMA) have submitted clinical-significance assessments for this variant to ClinVar after 2014. All submitters classified the variant as pathogenic. Based on the evidence outlined above, the variant was classified as pathogenic.

Baylor Genetics
Classification: Likely pathogenic for Familial cancer of breast. Last evaluated: 2021-07-30. Review status: criteria provided, single submitter. Criteria: ACMG Guidelines, 2015. Collection method: clinical testing. Allele origin: unknown. Not counted in ClinVar's aggregate classification.

GeneDx
Classification: Pathogenic. Last evaluated: 2016-01-25. Review status: criteria provided, single submitter. Criteria: GeneDx Variant Classification (06012015). Collection method: clinical testing. Allele origin: germline. Affected: yes. Not counted in ClinVar's aggregate classification.
Comment: The c.3689_3690delCT deletion in the BRCA2 gene has not been reported previously as apathogenic variant nor as a benign variant, to our knowledge. The c.3689_3690delCT variant causes aframeshift starting with codon Serine 1230, changes this amino acid to a Tyrosine residue, and createsa premature Stop codon at position 2 of the new reading frame, denoted p.Ser1230TyrfsX2. Thisvariant is predicted to cause loss of normal protein function either through protein truncation ornonsense-mediated mRNA decay. The c.3689_3690delCT variant was not observed in approximately6,500 individuals of European and African American ancestry in the NHLBI Exome SequencingProject, indicating it is not a common benign variant in these populations. We interpretc.3689_3690delCT as a pathogenic variant.

University of Washington Department of Laboratory Medicine, University of Washington
Classification: Pathogenic for Breast-ovarian cancer, familial, susceptibility to, 1. Last evaluated: 2015-11-20. Review status: criteria provided, single submitter. Criteria: Shirts et al. (Genet Med 2016). Collection method: clinical testing. Allele origin: germline. Affected: yes. Observed: 1 variant allele. Not counted in ClinVar's aggregate classification.

Literature cited by the submitters: PubMed 20104584 (cited by Labcorp Genetics (formerly Invitae), Labcorp); PubMed 26845104 (cited by Labcorp Genetics (formerly Invitae), Labcorp and Women's Health and Genetics/Laboratory Corporation of America, LabCorp); PubMed 25062964 (cited by Women's Health and Genetics/Laboratory Corporation of America, LabCorp).

NM_000059.4(BRCA2):c.3689_3690del (p.Ser1230fs)

Gene: BRCA2 (BRCA2 DNA repair associated; plus strand). Cytogenetic location: 13q13.1.
Variant type: Deletion.
Coding change: c.3689_3690del on transcript NM_000059.4 (MANE Select); coding-DNA positions 3689 to 3690, 2 bases deleted (CT; older notation c.3689_3690delCT).
Protein change: p.Ser1230fs; shifts the reading frame from serine 1230.
Molecular consequence: frameshift variant.
Genome position (GRCh38, 1-based): chr13:32,338,044-32,338,045, CT deleted; deleting any 2 consecutive bases within chr13:32,338,043-32,338,045 gives the same sequence; the c. name uses the placement nearest the transcript's 3' end. VCF-style (leftmost placement, unchanged base first): chr13-32338042-TTC-T. GRCh37 (hg19) VCF-style: chr13-32912179-TTC-T.
Other names: c.3689_3690delCT (NM_000059.3); short protein forms S1230fs.
Identifiers: ClinVar variation 224523 (VCV000224523.16), dbSNP rs869312759, ClinGen allele CA354139.